The following is an entry in ClinVar:

ClinVar aggregate classification (germline): Uncertain significance. Review status: criteria provided, multiple submitters, no conflicts (2 of 4 stars). 5 submissions from 5 submitters: Uncertain significance (5). Last evaluated 2024-12-14.

Conditions:
Fanconi anemia (FA). Also called: Fanconi's anemia. Identifiers: Orphanet 84, MedGen C0015625, MeSH D005199, MONDO:0019391.
Fanconi anemia complementation group A (FANCA). Also called: Fanconi anemia, group A; FANCA-Related Fanconi Anemia. Identifiers: Orphanet 84, MedGen C3469521, MONDO:0009215, OMIM 227650.
Inborn genetic diseases. Identifiers: MedGen C0950123, MeSH D030342.

Allele frequency attached by ClinVar (database versions not stated): gnomAD exomes 0.00001; TOPMed 0.00001.
gnomAD v4.1: 11 of 1,614,178 alleles (0.00068%); highest among the groups gnomAD compares: East Asian, 0.0022%; no homozygotes.

Submissions (5):

Ambry Genetics
Classification: Uncertain significance for Inborn genetic diseases. Last evaluated: 2024-12-14. Review status: criteria provided, single submitter. Criteria: Ambry Variant Classification Scheme 2023. Collection method: clinical testing. Allele origin: germline.
Comment: The p.R1071K variant (also known as c.3212G>A), located in coding exon 32 of the FANCA gene, results from a G to A substitution at nucleotide position 3212. The arginine at codon 1071 is replaced by lysine, an amino acid with highly similar properties. This amino acid position is conserved. In addition, the in silico prediction for this alteration is inconclusive. Based on the available evidence, the clinical significance of this variant remains unclear.

Labcorp Genetics (formerly Invitae), Labcorp
Classification: Uncertain significance for Fanconi anemia. Last evaluated: 2024-08-31. Review status: criteria provided, single submitter. Criteria: Invitae Variant Classification Sherloc (09022015). Collection method: clinical testing. Allele origin: germline.
Comment: This sequence change replaces arginine, which is basic and polar, with lysine, which is basic and polar, at codon 1071 of the FANCA protein (p.Arg1071Lys). This variant is not present in population databases (gnomAD no frequency). This variant has not been reported in the literature in individuals affected with FANCA-related conditions. ClinVar contains an entry for this variant (Variation ID: 1336932). Invitae Evidence Modeling of protein sequence and biophysical properties (such as structural, functional, and spatial information, amino acid conservation, physicochemical variation, residue mobility, and thermodynamic stability) indicates that this missense variant is not expected to disrupt FANCA protein function with a negative predictive value of 80%. In summary, the available evidence is currently insufficient to determine the role of this variant in disease. Therefore, it has been classified as a Variant of Uncertain Significance.

Quest Diagnostics Nichols Institute San Juan Capistrano
Classification: Uncertain significance. Last evaluated: 2024-02-09. Review status: criteria provided, single submitter. Criteria: Quest Diagnostics criteria. Collection method: clinical testing. Allele origin: unknown.
Comment: The FANCA c.3212G>A (p.Arg1071Lys) variant has not been reported in individuals with FANCA-related conditions in the published literature. It also has not been reported in large, multi-ethnic general populations (Genome Aggregation Database). Analysis of this variant using bioinformatics tools for the prediction of the effect of amino acid changes on protein structure and function yielded predictions that this variant is benign. Based on the available information, we are unable to determine the clinical significance of this variant.

Fulgent Genetics
Classification: Uncertain significance for Fanconi anemia complementation group A. Last evaluated: 2024-02-07. Review status: criteria provided, single submitter. Criteria: ACMG Guidelines, 2015. Collection method: clinical testing. Allele origin: germline.

Genetic Services Laboratory, University of Chicago
Classification: Uncertain significance. Last evaluated: 2018-11-09. Review status: criteria provided, single submitter. Criteria: ACMG Guidelines, 2015. Collection method: clinical testing. Allele origin: germline. Affected: no.

NM_000135.4(FANCA):c.3212G>A (p.Arg1071Lys)

Gene: FANCA (FA complementation group A; minus strand). Cytogenetic location: 16q24.3.
Variant type: single nucleotide variant.
Coding change: c.3212G>A on transcript NM_000135.4 (MANE Select); coding-DNA position 3212, G replaced by A.
Protein change: p.Arg1071Lys; replaces arginine 1071 with lysine.
Molecular consequence: missense variant.
Genome position (GRCh38, 1-based): chr16:89,749,757, C>T on the plus strand (G>A on the coding strand, the complement: FANCA is on the minus strand). VCF-style: chr16-89749757-C-T. GRCh37 (hg19) VCF-style: chr16-89816165-C-T.
Other names: c.3212G>A, p.Arg1071Lys (NM_001286167.3); c.3212G>A (NM_000135.3); short protein forms R1071K.
Identifiers: ClinVar variation 1336932 (VCV001336932.8), dbSNP rs924918296, ClinGen allele CA286625866.